The following is an entry in ClinVar:

ClinVar aggregate classification (germline): Uncertain significance (1 of 4 stars; one submission).

Conditions:
Beckwith-Wiedemann syndrome (BWS). Also called: EMG SYNDROME; Exomphalos macroglossia gigantism syndrome. Identifiers: Orphanet 116, MedGen C0004903, MONDO:0007534, OMIM 130650.

Allele frequency attached by ClinVar (database versions not stated): TOPMed 0.00002.

Submission:

Labcorp Genetics (formerly Invitae), Labcorp
Classification: Uncertain significance for Beckwith-Wiedemann syndrome. Last evaluated: 2025-09-24. Review status: criteria provided, single submitter. Criteria: Invitae Variant Classification Sherloc (09022015). Collection method: clinical testing. Allele origin: germline.
Comment: This sequence change replaces proline, which is neutral and non-polar, with alanine, which is neutral and non-polar, at codon 296 of the CDKN1C protein (p.Pro296Ala). This variant is not present in population databases (gnomAD no frequency). This variant has not been reported in the literature in individuals affected with CDKN1C-related conditions. ClinVar contains an entry for this variant (Variation ID: 854356). Invitae Evidence Modeling of protein sequence and biophysical properties (such as structural, functional, and spatial information, amino acid conservation, physicochemical variation, residue mobility, and thermodynamic stability) indicates that this missense variant is not expected to disrupt CDKN1C protein function with a negative predictive value of 80%. In summary, the available evidence is currently insufficient to determine the role of this variant in disease. Therefore, it has been classified as a Variant of Uncertain Significance.

NM_001122630.2(CDKN1C):c.853C>G (p.Pro285Ala)

Gene: CDKN1C (cyclin dependent kinase inhibitor 1C; minus strand). Cytogenetic location: 11p15.4.
Variant type: single nucleotide variant.
Coding change: c.853C>G on transcript NM_001122630.2 (MANE Select); coding-DNA position 853, C replaced by G.
Protein change: p.Pro285Ala; replaces proline 285 with alanine.
Molecular consequence: missense variant. On other transcripts: synonymous variant (1).
Genome position (GRCh38, 1-based): chr11:2,884,069, G>C on the plus strand (C>G on the coding strand, the complement: CDKN1C is on the minus strand). VCF-style: chr11-2884069-G-C. GRCh37 (hg19) VCF-style: chr11-2905299-G-C.
Other names: c.886C>G, p.Pro296Ala (NM_000076.2, NM_001362474.2); c.853C>G, p.Pro285Ala (NM_001122631.2); c.321C>G, p.Val107= (NM_001362475.2); short protein forms P285A, P296A.
Identifiers: ClinVar variation 854356 (VCV000854356.7), dbSNP rs531059713, ClinGen allele CA216366933.